The following is an entry in ClinVar:

NM_001012614.2(CTBP1):c.643C>A (p.Leu215Met)

Genes: CTBP1 (C-terminal binding protein 1; minus strand), CTBP1-AS (CTBP1 antisense RNA; plus strand). Cytogenetic location: 4p16.3.
Variant type: single nucleotide variant.
Coding change: c.643C>A on transcript NM_001012614.2 (MANE Select); coding-DNA position 643, C replaced by A.
Protein change: p.Leu215Met; replaces leucine 215 with methionine.
Molecular consequence: missense variant. On other transcripts: non-coding transcript variant (1).
Genome position (GRCh38, 1-based): chr4:1,216,077, G>T on the plus strand (C>A on the coding strand, the complement: CTBP1 is on the minus strand). VCF-style: chr4-1216077-G-T. GRCh37 (hg19) VCF-style: chr4-1209865-G-T.
Other names: c.676C>A, p.Leu226Met (NM_001328.3, NM_001377186.1); c.643C>A, p.Leu215Met (NM_001377187.1, NM_001377188.1, NM_001377189.1 and 4 more transcripts); short protein forms L215M, L226M.
Identifiers: ClinVar variation 2421722 (VCV002421722.6), dbSNP rs778027768, ClinGen allele CA355948706.

ClinVar aggregate classification (germline): Uncertain significance (1 of 4 stars; one submission).

Allele frequency attached by ClinVar (database versions not stated): TOPMed 0.00001.
gnomAD v4.1: 2 of 1,611,600 alleles (0.00012%); highest among the groups gnomAD compares: Admixed American, 0.0033%; no homozygotes.

Submission:

Labcorp Genetics (formerly Invitae), Labcorp
Classification: Uncertain significance. Last evaluated: 2022-08-20. Review status: criteria provided, single submitter. Criteria: Invitae Variant Classification Sherloc (09022015). Collection method: clinical testing. Allele origin: germline.
Comment: This sequence change replaces leucine, which is neutral and non-polar, with methionine, which is neutral and non-polar, at codon 226 of the CTBP1 protein (p.Leu226Met). This variant is not present in population databases (gnomAD no frequency). This variant has not been reported in the literature in individuals affected with CTBP1-related conditions. Algorithms developed to predict the effect of missense changes on protein structure and function are either unavailable or do not agree on the potential impact of this missense change (SIFT: "Tolerated"; PolyPhen-2: "Probably Damaging"; Align-GVGD: "Class C0"). In summary, the available evidence is currently insufficient to determine the role of this variant in disease. Therefore, it has been classified as a Variant of Uncertain Significance.